The following is an entry in ClinVar:

NM_000071.3(CBS):c.992C>T (p.Ala331Val)

Gene: CBS (cystathionine beta-synthase; minus strand). Cytogenetic location: 21q22.3.
Variant type: single nucleotide variant.
Coding change: c.992C>T on transcript NM_000071.3 (MANE Select); coding-DNA position 992, C replaced by T.
Protein change: p.Ala331Val; replaces alanine 331 with valine.
Molecular consequence: missense variant.
Genome position (GRCh38, 1-based): chr21:43,062,358, G>A on the plus strand (C>T on the coding strand, the complement: CBS is on the minus strand). VCF-style: chr21-43062358-G-A. GRCh37 (hg19) VCF-style: chr21-44482468-G-A.
Other names: c.992C>T, p.Ala331Val (NM_001178008.3, NM_001178009.3, NM_001320298.2); c.677C>T, p.Ala226Val (NM_001321072.1); short protein forms A331V, A226V.
Identifiers: ClinVar variation 193793 (VCV000193793.15), dbSNP rs777919630, ClinGen allele CA239449.

ClinVar aggregate classification (germline): Conflicting classifications of pathogenicity. Review status: criteria provided, conflicting classifications (1 of 4 stars). 8 submissions from 8 submitters: Likely pathogenic (6); Uncertain significance (1). 1 of the submissions does not count toward it. Last evaluated 2026-06-23.

Conditions:
Familial thoracic aortic aneurysm and aortic dissection (TAAD). Also called: Thoracic aortic aneurysms and dissections. Identifiers: Orphanet 91387, MedGen C4707243, MONDO:0019625.
Classic homocystinuria. Also called: HOMOCYSTINURIA WITH OR WITHOUT RESPONSE TO PYRIDOXINE; Homocystinuria due to Cystathionine Beta-Synthase Deficiency; Homocystinuria due to CBS deficiency; Cystathionine beta-synthase deficiency; CBS deficiency. Identifiers: Orphanet 394, MedGen C0751202, MONDO:0009352, OMIM 236200.
HYPERHOMOCYSTEINEMIA, THROMBOTIC, CBS-RELATED. Identifiers: MedGen C3150344, OMIM 236200.
Intellectual disability. Also called: Intellectual functioning disability; intellectual disabilities; Intellectual developmental disorder. Identifiers: MedGen C3714756, MeSH D008607, MONDO:0001071, HP:0001249.

Submissions (8):

Myriad Genetics, Inc.
Classification: Likely pathogenic for Classic homocystinuria. Last evaluated: 2026-06-23. Review status: criteria provided, single submitter. Criteria: Myriad Autosomal Dominant, Autosomal Recessive and X-Linked Classification Criteria (2023). Collection method: clinical testing. Allele origin: unknown.
Comment: NM_000071.2(CBS):c.992C>T(A331V) is a missense variant classified as likely pathogenic in the context of homocystinuria, CBS-related. A331V has been observed in cases with relevant disease (PMID: 41142853, 33057012, 41776364). Relevant functional assessments of this variant are not available in the literature. A331V has been observed in referenced population frequency databases. In summary, NM_000071.2(CBS):c.992C>T(A331V) is a missense variant that has been observed more frequently in cases with the relevant disease than in healthy populations. Please note: this variant was assessed in the context of healthy population screening.

Labcorp Genetics (formerly Invitae), Labcorp
Classification: Likely pathogenic for HYPERHOMOCYSTEINEMIA, THROMBOTIC, CBS-RELATED. Last evaluated: 2025-09-16. Review status: criteria provided, single submitter. Criteria: Invitae Variant Classification Sherloc (09022015). Collection method: clinical testing. Allele origin: germline.
Comment: This sequence change replaces alanine, which is neutral and non-polar, with valine, which is neutral and non-polar, at codon 331 of the CBS protein (p.Ala331Val). This variant is present in population databases (no rsID available, gnomAD 0.007%). This missense change has been observed in individual(s) with clinical features of homocystinuria (PMID: 33057012). ClinVar contains an entry for this variant (Variation ID: 193793). Invitae Evidence Modeling of protein sequence and biophysical properties (such as structural, functional, and spatial information, amino acid conservation, physicochemical variation, residue mobility, and thermodynamic stability) indicates that this missense variant is expected to disrupt CBS protein function with a positive predictive value of 95%. Experimental studies have shown that this missense change affects CBS function (PMID: 8528202, 22267502). This variant disrupts the p.Ala331 amino acid residue in CBS. Other variant(s) that disrupt this residue have been determined to be pathogenic (PMID: 9156316; internal data). This suggests that this residue is clinically significant, and that variants that disrupt this residue are likely to be disease-causing. In summary, the currently available evidence indicates that the variant is pathogenic, but additional data are needed to prove that conclusively. Therefore, this variant has been classified as Likely Pathogenic.

Natera, Inc.
Classification: Likely pathogenic for Homocystinuria due to cystathionine beta-synthase deficiency. Last evaluated: 2025-08-22. Review status: criteria provided, single submitter. Criteria: Natera Variant Classification Schema (03/2026). Collection method: clinical testing. Allele origin: germline.
Comment: The c.992C>T variant in CBS is a missense variant predicted to cause substitution of alanine to valine at amino acid 331. This variant is rare in the general population with a frequency below the threshold expected for the associated phenotype(s). This variant has been observed in one or more individuals affected with the associated recessive disease, as either homozygous or compound heterozygous with a second variant (PMID: 33057012). Additionally, this variant has been observed to segregate in affected family members (PMID: 33057012). A different variant at the same position has been determined to be Pathogenic or Likely Pathogenic. Computational prediction algorithms indicate this variant is likely to affect gene or protein function. Given the available evidence, this variant is classified as Likely Pathogenic.

Ambry Genetics
Classification: Likely pathogenic for Familial thoracic aortic aneurysm and aortic dissection. Last evaluated: 2024-05-31. Review status: criteria provided, single submitter. Criteria: Ambry Variant Classification Scheme 2023. Collection method: clinical testing. Allele origin: germline.
Comment: The p.A331V variant (also known as c.992C>T), located in coding exon 9 of the CBS gene, results from a C to T substitution at nucleotide position 992. The alanine at codon 331 is replaced by valine, an amino acid with similar properties. This alteration has been reported as homozygous in two siblings with homocystinuria (Kaur R et al. Sci Rep, 2020 Oct;10:17299). Based on internal structural analysis, this alteration is deleterious, being moderately destabilizing to the local structure (Kruger WD et al. Hum Mutat. 2003 Dec;22(6):434-41). Additionally, in vitro assays showed this alteration has residual protein function (Kruger WD et al. Hum Mol Genet, 1995 Jul;4:1155-61; Mayfield JA et al. Genetics, 2012 Apr;190:1309-23). This amino acid position is poorly conserved in available vertebrate species. In addition, this alteration is predicted to be deleterious by in silico analysis. Based on the majority of available evidence to date, this variant is likely to be pathogenic.

Baylor Genetics
Classification: Likely pathogenic for Classic homocystinuria. Last evaluated: 2024-03-18. Review status: criteria provided, single submitter. Criteria: ACMG Guidelines, 2015. Collection method: clinical testing. Allele origin: unknown.

Eurofins Ntd Llc (ga)
Classification: Uncertain significance. Last evaluated: 2014-11-20. Review status: criteria provided, single submitter. Criteria: EGL Classification Definitions 2015. Collection method: clinical testing. Allele origin: germline. Observed: 2 variant alleles, 2 heterozygotes.

Neuberg Centre For Genomic Medicine, NCGM
Classification: Likely pathogenic for Classic homocystinuria. Review status: criteria provided, single submitter. Criteria: ACMG Guidelines, 2015. Collection method: clinical testing. Allele origin: germline. Inheritance: Autosomal recessive inheritance. Affected: yes.
Comment: The observed missense variant c.992C>T(p.Ala331Val) in CBS gene has been reported previously in homozygous state in individuals affected with Thrombosis, hyperhomocysteinemic (Kaur R et. al., 2020). Experimental studies have shown that this missense change affects CBS function (Mayfield et al., 2012). This variant is reported with the allele frequency of 0.0008% in the gnomAD Exomes. This variant has been reported to the ClinVar database as Uncertain Significance / Likely Pathogenic. The amino acid Ala at position 331 is changed to a Val changing protein sequence and it might alter its composition and physico-chemical properties. The amino acid change p.Ala331Val in CBS is predicted as conserved by GERP++ and PhyloP across 100 vertebrates. Multiple lines of computational evidence (Polyphen - Possibly Damaging, SIFT -Damaging, and MutationTaster - Disease causing) predict a damaging effect on protein structure and function for this variant. This variant has been partially explaining the phenotype. For these reasons, the variant has been classified as Likely Pathogenic.

Centre de Biologie Pathologie Génétique, Centre Hospitalier Universitaire de Lille
Classification: Uncertain significance for Intellectual disability. Last evaluated: 2019-01-01. Review status: no assertion criteria provided. Collection method: clinical testing. Allele origin: unknown. Affected: yes. Not counted in ClinVar's aggregate classification.

Literature cited by the submitters: PubMed 33057012 (cited by 4 submitters); PubMed 41142853 (cited by Myriad Genetics, Inc.); PubMed 41776364 (cited by Myriad Genetics, Inc.); PubMed 8528202 (cited by Labcorp Genetics (formerly Invitae), Labcorp and Ambry Genetics); PubMed 22267502 (cited by Labcorp Genetics (formerly Invitae), Labcorp and Ambry Genetics); PubMed 9156316 (cited by Labcorp Genetics (formerly Invitae), Labcorp).